The following is an entry in ClinVar:

ClinVar aggregate classification (germline): Uncertain significance. Review status: criteria provided, multiple submitters, no conflicts (2 of 4 stars). 2 submissions from 2 submitters: Uncertain significance (2). Last evaluated 2022-07-19.

Conditions:
LAMA2-related muscular dystrophy (LAMA2-RD). Also called: Laminin alpha 2-related dystrophy. Identifiers: MedGen C5679788, MONDO:0100228.

Allele frequency attached by ClinVar (database versions not stated): gnomAD 0.00001 and 0.00003; gnomAD exomes 0.00001; TOPMed 0.00001; 1000 Genomes Project 30x 0.00047; 1000 Genomes Project 0.00060.

Submissions (2):

Labcorp Genetics (formerly Invitae), Labcorp
Classification: Uncertain significance for LAMA2-related muscular dystrophy. Last evaluated: 2022-07-19. Review status: criteria provided, single submitter. Criteria: Invitae Variant Classification Sherloc (09022015). Collection method: clinical testing. Allele origin: germline.
Comment: This sequence change replaces aspartic acid, which is acidic and polar, with asparagine, which is neutral and polar, at codon 417 of the LAMA2 protein (p.Asp417Asn). This variant is not present in population databases (gnomAD no frequency). This variant has not been reported in the literature in individuals affected with LAMA2-related conditions. ClinVar contains an entry for this variant (Variation ID: 971483). Advanced modeling of protein sequence and biophysical properties (such as structural, functional, and spatial information, amino acid conservation, physicochemical variation, residue mobility, and thermodynamic stability) performed at Invitae indicates that this missense variant is not expected to disrupt LAMA2 protein function. In summary, the available evidence is currently insufficient to determine the role of this variant in disease. Therefore, it has been classified as a Variant of Uncertain Significance.

Revvity Omics, Revvity
Classification: Uncertain significance. Last evaluated: 2019-09-24. Review status: criteria provided, single submitter. Criteria: ACMG Guidelines, 2015. Collection method: clinical testing. Allele origin: germline.

NM_000426.4(LAMA2):c.1249G>A (p.Asp417Asn)

Gene: LAMA2 (laminin subunit alpha 2; plus strand). Cytogenetic location: 6q22.33.
Variant type: single nucleotide variant.
Coding change: c.1249G>A on transcript NM_000426.4 (MANE Select); coding-DNA position 1249, G replaced by A.
Protein change: p.Asp417Asn; replaces aspartic acid 417 with asparagine.
Molecular consequence: missense variant.
Genome position (GRCh38, 1-based): chr6:129,165,618, G>A. VCF-style: chr6-129165618-G-A. GRCh37 (hg19) VCF-style: chr6-129486763-G-A.
Other names: c.1249G>A, p.Asp417Asn (NM_001079823.2); short protein forms D417N.
Identifiers: ClinVar variation 971483 (VCV000971483.9), dbSNP rs201009816, ClinGen allele CA146895546.